The following is an entry in ClinVar:

NM_001367823.1(ARHGEF18):c.1250T>C (p.Ile417Thr)

Gene: ARHGEF18 (Rho/Rac guanine nucleotide exchange factor 18; plus strand). Cytogenetic location: 19p13.2.
Variant type: single nucleotide variant.
Coding change: c.1250T>C on transcript NM_001367823.1 (MANE Select); coding-DNA position 1250, T replaced by C.
Protein change: p.Ile417Thr; replaces isoleucine 417 with threonine.
Molecular consequence: missense variant.
Genome position (GRCh38, 1-based): chr19:7,441,942, T>C. VCF-style: chr19-7441942-T-C. GRCh37 (hg19) VCF-style: chr19-7506828-T-C.
Other names: c.524T>C, p.Ile175Thr (NM_001130955.2); c.212T>C, p.Ile71Thr (NM_001367824.1, NM_015318.4); short protein forms I175T, I417T, I71T.
Identifiers: ClinVar variation 1060379 (VCV001060379.9), dbSNP rs780060643, ClinGen allele CA9136418.

ClinVar aggregate classification (germline): Uncertain significance (1 of 4 stars; one submission).

Allele frequency attached by ClinVar (database versions not stated): gnomAD exomes below 0.00001 and 0.00004; ExAC 0.00001.
gnomAD v4.1: 21 of 1,614,058 alleles (0.0013%); highest among the groups gnomAD compares: East Asian, 0.047%; no homozygotes.

Submission:

Labcorp Genetics (formerly Invitae), Labcorp
Classification: Uncertain significance. Last evaluated: 2022-02-10. Review status: criteria provided, single submitter. Criteria: Invitae Variant Classification Sherloc (09022015). Collection method: clinical testing. Allele origin: germline.
Comment: In summary, the available evidence is currently insufficient to determine the role of this variant in disease. Therefore, it has been classified as a Variant of Uncertain Significance. Algorithms developed to predict the effect of missense changes on protein structure and function are either unavailable or do not agree on the potential impact of this missense change (SIFT: "Deleterious"; PolyPhen-2: "Benign"; Align-GVGD: "Class C25"). ClinVar contains an entry for this variant (Variation ID: 1060379). This variant has not been reported in the literature in individuals affected with ARHGEF18-related conditions. This variant is present in population databases (rs780060643, gnomAD 0.006%). This sequence change replaces isoleucine, which is neutral and non-polar, with threonine, which is neutral and polar, at codon 229 of the ARHGEF18 protein (p.Ile229Thr).